The following is an entry in ClinVar:

ClinVar aggregate classification (germline): Conflicting classifications of pathogenicity. Review status: criteria provided, conflicting classifications (1 of 4 stars). 6 submissions from 6 submitters: Uncertain significance (4); Benign (1). 1 of the submissions does not count toward it. Last evaluated 2025-06-12.

Conditions:
Dehydrated hereditary stomatocytosis with or without pseudohyperkalemia and/or perinatal edema (DHS1). Also called: PSEUDOHYPERKALEMIA EDINBURGH; DEHYDRATED HEREDITARY STOMATOCYTOSIS AND PSEUDOHYPERKALEMIA; DEHYDRATED HEREDITARY STOMATOCYTOSIS WITH PSEUDOHYPERKALEMIA AND PERINATAL EDEMA; Pseudohyperkalemia, familial, 1, due to red cell leak; Dehydrated hereditary stomatocytosis 1 with or without pseudohyperkalemia and/or perinatal edema. Identifiers: Orphanet 3202, MedGen C4551512, MONDO:0008689, OMIM 194380.
Lymphatic malformation 6 (LMPHM6). Also called: PIEZO1-related generalized lymphatic dysplasia with non-immune hydrops fetalis; GENERALIZED LYMPHATIC DYSPLASIA OF FOTIOU; Lymphedema, hereditary, III. Identifiers: Orphanet 568062, MedGen C4225184, MONDO:0014797, OMIM 616843.
Inborn genetic diseases. Identifiers: MedGen C0950123, MeSH D030342.
PIEZO1-related disorder. Also called: PIEZO1-related condition; PIEZO1-Related Disorders.

Allele frequency attached by ClinVar (database versions not stated): ExAC 0.00005; gnomAD 0.00008; gnomAD exomes 0.00009; TOPMed 0.00012.
gnomAD v4.1: 141 of 1,543,830 alleles (0.0091%); highest among the groups gnomAD compares: Middle Eastern, 0.083%; no homozygotes.

Submissions (6):

Labcorp Genetics (formerly Invitae), Labcorp
Classification: Benign. Last evaluated: 2025-06-12. Review status: criteria provided, single submitter. Criteria: Invitae Variant Classification Sherloc (09022015). Collection method: clinical testing. Allele origin: germline.

Revvity Omics, Revvity
Classification: Uncertain significance. Last evaluated: 2024-09-21. Review status: criteria provided, single submitter. Criteria: ACMG Guidelines, 2015. Collection method: clinical testing. Allele origin: germline.

Ambry Genetics
Classification: Uncertain significance for Inborn genetic diseases. Last evaluated: 2024-08-21. Review status: criteria provided, single submitter. Criteria: Ambry Variant Classification Scheme 2023. Collection method: clinical testing. Allele origin: germline.

GeneDx
Classification: Uncertain significance. Last evaluated: 2023-04-28. Review status: criteria provided, single submitter. Criteria: GeneDx Variant Classification Process June 2021. Collection method: clinical testing. Allele origin: germline. Affected: yes.
Comment: In silico analysis supports that this missense variant has a deleterious effect on protein structure/function; Has not been previously published as pathogenic or benign to our knowledge

Department of Pathology and Laboratory Medicine, Sinai Health System
Classification: Uncertain significance for Dehydrated hereditary stomatocytosis with or without pseudohyperkalemia and/or perinatal edema; Lymphatic malformation 6. Last evaluated: 2022-04-29. Review status: criteria provided, single submitter. Criteria: ACMG Guidelines, 2015. Collection method: research. Allele origin: germline.

PreventionGenetics, part of Exact Sciences
Classification: Uncertain significance for PIEZO1-related condition. Last evaluated: 2024-07-17. Review status: no assertion criteria provided. Collection method: clinical testing. Allele origin: germline. Not counted in ClinVar's aggregate classification.
Comment: The PIEZO1 c.5564C>T variant is predicted to result in the amino acid substitution p.Pro1855Leu. To our knowledge, this variant has not been reported in the literature. This variant is reported in 0.011% of alleles in individuals of European (Non-Finnish) descent in gnomAD. At this time, the clinical significance of this variant is uncertain due to the absence of conclusive functional and genetic evidence.

NM_001142864.4(PIEZO1):c.5564C>T (p.Pro1855Leu)

Gene: PIEZO1 (piezo type mechanosensitive ion channel component 1 (Er blood group); minus strand). Cytogenetic location: 16q24.3.
Variant type: single nucleotide variant.
Coding change: c.5564C>T on transcript NM_001142864.4 (MANE Select); coding-DNA position 5564, C replaced by T.
Protein change: p.Pro1855Leu; replaces proline 1855 with leucine.
Molecular consequence: missense variant.
Genome position (GRCh38, 1-based): chr16:88,721,270, G>A on the plus strand (C>T on the coding strand, the complement: PIEZO1 is on the minus strand). VCF-style: chr16-88721270-G-A. GRCh37 (hg19) VCF-style: chr16-88787678-G-A.
Other names: c.5564C>T (NM_001142864.2, NM_001142864.3); c.4106C>T, p.Pro1369Leu (NM_014745.1); short protein forms P1855L, P1369L.
Identifiers: ClinVar variation 2180271 (VCV002180271.10), dbSNP rs764696200, ClinGen allele CA8231843.